The following is an entry in ClinVar:

NM_002025.4(AFF2):c.3776A>T (p.His1259Leu)

Gene: AFF2 (ALF transcription elongation factor 2; plus strand). Cytogenetic location: Xq28.
Variant type: single nucleotide variant.
Coding change: c.3776A>T on transcript NM_002025.4 (MANE Select); coding-DNA position 3776, A replaced by T.
Protein change: p.His1259Leu; replaces histidine 1259 with leucine.
Molecular consequence: missense variant.
Genome position (GRCh38, 1-based): chrX:148,987,519, A>T. VCF-style: chrX-148987519-A-T. GRCh37 (hg19) VCF-style: chrX-148069049-A-T.
Other names: c.3671A>T, p.His1224Leu (NM_001169122.2, NM_001169124.2); c.3746A>T, p.His1249Leu (NM_001169123.2); c.3659A>T, p.His1220Leu (NM_001169125.2); c.2699A>T, p.His900Leu (NM_001170628.1); short protein forms H1220L, H1224L, H1249L, H1259L, H900L.
Identifiers: ClinVar variation 3372899 (VCV003372899.1).

ClinVar aggregate classification (germline): Uncertain significance (1 of 4 stars; one submission).

Submission:

GeneDx
Classification: Uncertain significance. Last evaluated: 2024-04-22. Review status: criteria provided, single submitter. Criteria: GeneDx Variant Classification Process June 2021. Collection method: clinical testing. Allele origin: germline. Affected: yes.
Comment: Not observed at significant frequency in large population cohorts (gnomAD); In silico analysis supports that this missense variant has a deleterious effect on protein structure/function; Has not been previously published as pathogenic or benign to our knowledge